The following is an entry in ClinVar:

NM_000156.6(GAMT):c.112G>A (p.Gly38Ser)

Genes: GAMT (guanidinoacetate N-methyltransferase; minus strand), LOC130062945 (ATAC-STARR-seq lymphoblastoid silent region 9707; plus strand). Cytogenetic location: 19p13.3.
Variant type: single nucleotide variant.
Coding change: c.112G>A on transcript NM_000156.6 (MANE Select); coding-DNA position 112, G replaced by A.
Protein change: p.Gly38Ser; replaces glycine 38 with serine.
Molecular consequence: missense variant.
Genome position (GRCh38, 1-based): chr19:1,401,365, C>T on the plus strand (G>A on the coding strand, the complement: GAMT is on the minus strand). VCF-style: chr19-1401365-C-T. GRCh37 (hg19) VCF-style: chr19-1401364-C-T.
Other names: c.112G>A, p.Gly38Ser (NM_138924.3); short protein forms G38S.
Identifiers: ClinVar variation 2143904 (VCV002143904.4), dbSNP rs941979290, ClinGen allele CA304067308.
Genomic context (GRCh38, chr19:1,401,365, plus strand): 5'-AGGCGGCGGCGGCCAGCGCGTGCATATAGGGGGTCTCCCAGCGCTCCATCACCGGCTTGC[C>T]CAGGATGCGCAGGTGCGTGTCCGCTGCGTCGTAGGCCGCGGGCGCCGCCCCCCACGCGGG-3'
Protein context (NP_000147.1, residues 28-48): DAADTHLRIL[Gly38Ser]KPVMERWETP

ClinVar aggregate classification (germline): Uncertain significance (1 of 4 stars; one submission).

Conditions:
Cerebral creatine deficiency syndrome. Also called: Creatine deficiency syndromes. Identifiers: Orphanet 79172, MedGen C5244016, MONDO:0000456.

Allele frequency attached by ClinVar (database versions not stated): gnomAD 0.00001; TOPMed 0.00001.

Submission:

Labcorp Genetics (formerly Invitae), Labcorp
Classification: Uncertain significance for Cerebral creatine deficiency syndrome. Last evaluated: 2023-10-03. Review status: criteria provided, single submitter. Criteria: Invitae Variant Classification Sherloc (09022015). Collection method: clinical testing. Allele origin: germline.
Comment: This sequence change replaces glycine, which is neutral and non-polar, with serine, which is neutral and polar, at codon 38 of the GAMT protein (p.Gly38Ser). The frequency data for this variant in the population databases is considered unreliable, as metrics indicate poor data quality at this position in the gnomAD database. This variant has not been reported in the literature in individuals affected with GAMT-related conditions. ClinVar contains an entry for this variant (Variation ID: 2143904). Advanced modeling of protein sequence and biophysical properties (such as structural, functional, and spatial information, amino acid conservation, physicochemical variation, residue mobility, and thermodynamic stability) has been performed at Invitae for this missense variant, however the output from this modeling did not meet the statistical confidence thresholds required to predict the impact of this variant on GAMT protein function. In summary, the available evidence is currently insufficient to determine the role of this variant in disease. Therefore, it has been classified as a Variant of Uncertain Significance.